The following is an entry in ClinVar:

NM_001754.5(RUNX1):c.97+4T>C

Gene: RUNX1 (RUNX family transcription factor 1; minus strand). Cytogenetic location: 21q22.12.
Variant type: single nucleotide variant.
Coding change: c.97+4T>C on transcript NM_001754.5 (MANE Select); 4 bases into the intron after coding-DNA position 97, T replaced by C.
Molecular consequence: intron variant.
Genome position (GRCh38, 1-based): chr21:34,892,921, A>G on the plus strand (T>C on the coding strand, the complement: RUNX1 is on the minus strand). VCF-style: chr21-34892921-A-G. GRCh37 (hg19) VCF-style: chr21-36265218-A-G.
Identifiers: ClinVar variation 532674 (VCV000532674.9), dbSNP rs754042987, ClinGen allele CA512319027.
Genomic context (GRCh38, chr21:34,892,921, plus strand): 5'-AATCATATACACATCTATGAAGGTGTGTACTTTATTTAAAAATATAACTTGGAATTTAAC[A>G]TACCGTGGACGTCTCTAGAAGGATTCATTCCAAGTATGCATTCTGAAATAACAGAAAGTA-3'

ClinVar aggregate classification (germline): Likely benign. Review status: reviewed by expert panel (3 of 4 stars). 3 submissions from 3 submitters: Likely benign (1). 2 of the submissions do not count toward it. Last evaluated 2024-06-24.

Conditions:
Inborn genetic diseases. Identifiers: MedGen C0950123, MeSH D030342.
Hereditary thrombocytopenia and hematological cancer predisposition syndrome associated with RUNX1. Also called: Familial Platelet Disorder with Propensity to Acute Myelogenous Leukemia; Familial thrombocytopenia with propensity to acute myelogenous leukemia; RUNX1 Familial Platelet Disorder with Associated Myeloid Malignancies; PLATELET DISORDER, ASPIRIN-LIKE. Identifiers: Orphanet 71290, MedGen C1832388, MeSH C563324, MONDO:0100083, OMIM 601399.

gnomAD v4.1: 1 of 1,540,838 alleles (0.000065%); highest among the groups gnomAD compares: Middle Eastern, 0.017%; no homozygotes.

Submissions (3):

ClinGen Myeloid Malignancy Variant Curation Expert Panel
Classification: Likely benign for Hereditary thrombocytopenia and hematological cancer predisposition syndrome associated with RUNX1. Last evaluated: 2024-06-24. Review status: reviewed by expert panel. Criteria: ClinGen MyeloMalig ACMG Specifications v2. Collection method: curation. Allele origin: germline. Inheritance: Autosomal dominant inheritance.
Comment: This variant is completely absent from all population databases with at least 20x coverage for RUNX1 (PM2_supporting). This intronic variant has a Splice AI Δ scores < 0.2 (BP4, BP7). Evolutionary conservation prediction algorithms predict the site as not being conserved (PhyloP score 0.662) (BP7). In summary, this variant meets criteria to be classified as likely benign. ACMG/AMP criteria applied, as specified by the Myeloid Malignancy Variant Curation Expert Panel for RUNX1: PM2_supporting, BP4, BP7

Ambry Genetics
Classification: Uncertain significance for Inborn genetic diseases. Last evaluated: 2025-02-20. Review status: criteria provided, single submitter. Criteria: Ambry Variant Classification Scheme 2023. Collection method: clinical testing. Allele origin: germline. Not counted in ClinVar's aggregate classification.
Comment: The c.97+4T>C intronic variant results from a T to C substitution 4 nucleotides after coding exon 2 in the RUNX1 gene. This nucleotide position is well conserved in available vertebrate species. In silico splice site analysis predicts that this alteration will not have any significant effect on splicing. Based on the available evidence, the clinical significance of this variant remains unclear.

Labcorp Genetics (formerly Invitae), Labcorp
Classification: Uncertain significance for Hereditary thrombocytopenia and hematological cancer predisposition syndrome associated with RUNX1. Last evaluated: 2024-04-30. Review status: criteria provided, single submitter. Criteria: Invitae Variant Classification Sherloc (09022015). Collection method: clinical testing. Allele origin: germline. Not counted in ClinVar's aggregate classification.
Comment: This sequence change falls in intron 3 of the RUNX1 gene. It does not directly change the encoded amino acid sequence of the RUNX1 protein. It affects a nucleotide within the consensus splice site. This variant is not present in population databases (gnomAD no frequency). This variant has not been reported in the literature in individuals affected with RUNX1-related conditions. ClinVar contains an entry for this variant (Variation ID: 532674). Variants that disrupt the consensus splice site are a relatively common cause of aberrant splicing (PMID: 17576681, 9536098). Studies have shown this variant is associated with skipping of exon 3, but one or more of the resulting mRNA isoform(s) may be naturally occurring (Invitae). In summary, the available evidence is currently insufficient to determine the role of this variant in disease. Therefore, it has been classified as a Variant of Uncertain Significance.

Literature cited by the submitters: PubMed 17576681 (cited by Labcorp Genetics (formerly Invitae), Labcorp); PubMed 9536098 (cited by Labcorp Genetics (formerly Invitae), Labcorp).